The following is an entry in ClinVar:

NM_001099274.3(TINF2):c.400-9C>T

Gene: TINF2 (TERF1 interacting nuclear factor 2; minus strand). Cytogenetic location: 14q12.
Variant type: single nucleotide variant.
Coding change: c.400-9C>T on transcript NM_001099274.3 (MANE Select); 9 bases into the intron before coding-DNA position 400, C replaced by T.
Molecular consequence: intron variant.
Genome position (GRCh38, 1-based): chr14:24,241,320, G>A on the plus strand (C>T on the coding strand, the complement: TINF2 is on the minus strand). VCF-style: chr14-24241320-G-A. GRCh37 (hg19) VCF-style: chr14-24710526-G-A.
Other names: c.400-9C>T (NM_012461.3); c.295-9C>T (NM_001363668.2).
Identifiers: ClinVar variation 413989 (VCV000413989.20), dbSNP rs201087708, ClinGen allele CA7130661.

ClinVar aggregate classification (germline): Benign/Likely benign. Review status: criteria provided, multiple submitters, no conflicts (2 of 4 stars). 5 submissions from 5 submitters: Benign (3); Likely benign (2). Last evaluated 2026-05-01.

Conditions:
Dyskeratosis congenita. Identifiers: Orphanet 1775, MedGen C0265965, MONDO:0015780.

Allele frequency attached by ClinVar (database versions not stated): gnomAD exomes 0.00013 and 0.00031; ExAC 0.00038; ESP Exome Variant Server 0.00099; gnomAD 0.00124 and 0.00128; TOPMed 0.00127; 1000 Genomes Project 30x 0.00141; 1000 Genomes Project 0.00160.
gnomAD v4.1: 398 of 1,611,764 alleles (0.025%); highest among the groups gnomAD compares: African/African-American, 0.46%; 5 homozygotes.

Submissions (5):

Dasa
Classification: Benign. Last evaluated: 2026-05-01. Review status: criteria provided, single submitter. Criteria: DASA Assertion Criteria. Collection method: clinical testing. Allele origin: germline.
Comment: NM_001099274.3(TINF2):c.400-9C>T is a splice-region variant. Population frequency is inconsistent with a disease-causing role for this variant. Therefore, based on the currently available evidence, this variant is classified as benign.

Labcorp Genetics (formerly Invitae), Labcorp
Classification: Benign for Dyskeratosis congenita. Last evaluated: 2026-02-02. Review status: criteria provided, single submitter. Criteria: Invitae Variant Classification Sherloc (09022015). Collection method: clinical testing. Allele origin: germline.

Center for Genomic Medicine, Rigshospitalet, Copenhagen University Hospital
Classification: Likely benign. Last evaluated: 2025-12-29. Review status: criteria provided, single submitter. Criteria: ACMG Guidelines, 2015. Collection method: clinical testing. Allele origin: germline.

Blueprint Genetics
Classification: Likely benign. Last evaluated: 2024-07-19. Review status: criteria provided, single submitter. Criteria: ACMG Guidelines, 2015. Collection method: clinical testing. Allele origin: germline.

Genetic Services Laboratory, University of Chicago
Classification: Benign. Last evaluated: 2019-08-09. Review status: criteria provided, single submitter. Criteria: ACMG Guidelines, 2015. Collection method: clinical testing. Allele origin: germline. Affected: no.